The following is an entry in ClinVar:

NM_000388.4(CASR):c.1163C>T (p.Ser388Leu)

Gene: CASR (calcium sensing receptor; plus strand). Cytogenetic location: 3q21.1.
Variant type: single nucleotide variant.
Coding change: c.1163C>T on transcript NM_000388.4 (MANE Select); coding-DNA position 1163, C replaced by T.
Protein change: p.Ser388Leu; replaces serine 388 with leucine.
Molecular consequence: missense variant.
Genome position (GRCh38, 1-based): chr3:122,262,198, C>T. VCF-style: chr3-122262198-C-T. GRCh37 (hg19) VCF-style: chr3-121981045-C-T.
Other names: c.1163C>T, p.Ser388Leu (NM_001178065.2); short protein forms S388L.
Identifiers: ClinVar variation 834324 (VCV000834324.13), dbSNP rs377282860, ClinGen allele CA82738915.
Genomic context (GRCh38, chr3:122,262,198, plus strand): 5'-TACCTGTGGACACCTTTCTGAGAGGTCACGAAGAAAGTGGCGACAGGTTTAGCAACAGCT[C>T]GACAGCCTTCCGACCCCTCTGTACAGGGGATGAGAACATCAGCAGTGTCGAGACCCCTTA-3'
Protein context (NP_000379.3, residues 378-398): EESGDRFSNS[Ser388Leu]TAFRPLCTGD

ClinVar aggregate classification (germline): Conflicting classifications of pathogenicity. Review status: criteria provided, conflicting classifications (1 of 4 stars). 3 submissions from 3 submitters: Uncertain significance (2); Likely benign (1). Last evaluated 2026-01-26.

Conditions:
Nephrolithiasis/nephrocalcinosis. Identifiers: MedGen CN580796.
Familial hypocalciuric hypercalcemia (FHH). Also called: Familial benign hypercalcemia. Identifiers: Orphanet 405, MedGen C1809471, MONDO:0018458.
Autosomal dominant hypocalcemia 1 (HYPOC1). Also called: HYPOCALCEMIA, FAMILIAL. Identifiers: MedGen C3715128, MONDO:0011013, OMIM 601198.
Familial hypocalciuric hypercalcemia 1. Also called: Hypercalcemia, familial benign type 1. Identifiers: Orphanet 405, Orphanet 93372, MedGen C0342637, MONDO:0007791, OMIM 145980.
Epilepsy, idiopathic generalized, susceptibility to, 8. Identifiers: MedGen C2752062, MONDO:0013032, OMIM 612899.
Neonatal severe primary hyperparathyroidism. Identifiers: Orphanet 417, MedGen C1832615, MONDO:0009397, OMIM 239200.

Allele frequency attached by ClinVar (database versions not stated): gnomAD 0.00001; TOPMed 0.00003; ESP Exome Variant Server 0.00008.
gnomAD v4.1: 10 of 1,614,072 alleles (0.00062%); highest among the groups gnomAD compares: South Asian, 0.0022%; no homozygotes.

Submissions (3):

Labcorp Genetics (formerly Invitae), Labcorp
Classification: Likely benign for Familial hypocalciuric hypercalcemia; Autosomal dominant hypocalcemia 1. Last evaluated: 2026-01-26. Review status: criteria provided, single submitter. Criteria: Invitae Variant Classification Sherloc (09022015). Collection method: clinical testing. Allele origin: germline.

Fulgent Genetics
Classification: Uncertain significance for Familial hypocalciuric hypercalcemia 1; Neonatal severe primary hyperparathyroidism; Autosomal dominant hypocalcemia 1; Epilepsy, idiopathic generalized, susceptibility to, 8. Last evaluated: 2022-04-20. Review status: criteria provided, single submitter. Criteria: ACMG Guidelines, 2015. Collection method: clinical testing. Allele origin: unknown.

Ambry Genetics
Classification: Uncertain significance for Nephrolithiasis/nephrocalcinosis. Last evaluated: 2021-09-26. Review status: criteria provided, single submitter. Criteria: Ambry Variant Classification Scheme 2023. Collection method: clinical testing. Allele origin: germline.
Comment: The p.S388L variant (also known as c.1163C>T), located in coding exon 3 of the CASR gene, results from a C to T substitution at nucleotide position 1163. The serine at codon 388 is replaced by leucine, an amino acid with dissimilar properties. This amino acid position is conserved. In addition, the in silico prediction for this alteration is inconclusive. Since supporting evidence is limited at this time, the clinical significance of this alteration remains unclear.